The following is an entry in ClinVar:

NM_000059.4(BRCA2):c.9648+1G>C

Gene: BRCA2 (BRCA2 DNA repair associated; plus strand). Cytogenetic location: 13q13.1.
Variant type: single nucleotide variant.
Coding change: c.9648+1G>C on transcript NM_000059.4 (MANE Select); the canonical splice donor site of the intron after coding-DNA position 9648, G replaced by C.
Molecular consequence: splice donor variant.
Genome position (GRCh38, 1-based): chr13:32,397,045, G>C. VCF-style: chr13-32397045-G-C. GRCh37 (hg19) VCF-style: chr13-32971182-G-C.
Other names: c.9552+1G>C (NM_001406719.1); c.4716+1G>C (NM_001406721.1); c.3231+1G>C (NM_001406722.1); c.9597+1G>C (NM_001406720.1).
Identifiers: ClinVar variation 182265 (VCV000182265.29), dbSNP rs730881573, ClinGen allele CA026248.
Genomic context (GRCh38, chr13:32,397,045, plus strand): 5'-GACTGTACTTCAGGGCCGTACACTGCTCAAATCATTCCTGGTACAGGAAACAAGCTTCTG[G>C]TAAGTTAATGTAAACTCAAGGAATATTATAAGAAGTATATATGGAGGCCATCGTATATTC-3'

ClinVar aggregate classification (germline): Conflicting classifications of pathogenicity. Review status: criteria provided, conflicting classifications (1 of 4 stars). 7 submissions from 7 submitters: Pathogenic (4); Likely pathogenic (2); Uncertain significance (1). Last evaluated 2025-03-07.

Conditions:
Hereditary cancer-predisposing syndrome. Also called: Tumor predisposition; Hereditary Cancer Syndrome; Hereditary neoplastic syndrome; Neoplastic Syndromes, Hereditary. Identifiers: Orphanet 140162, MedGen C0027672, MeSH D009386, MONDO:0015356.
Hereditary breast ovarian cancer syndrome. Also called: Breast and ovarian cancer; Hereditary breast and ovarian cancer syndrome; Hereditary breast and ovarian cancer; BRCA1- and BRCA2-Associated Hereditary Breast and Ovarian Cancer; Hereditary breast and ovarian cancer syndrome (HBOC); Hereditary breast and/or ovarian cancer syndrome. Identifiers: Orphanet 145, MedGen C0677776, MeSH D061325, MONDO:0003582. Disease mechanism: loss of function.
Breast-ovarian cancer, familial, susceptibility to, 2 (BROVCA2). Also called: BRCA2 Hereditary Breast and Ovarian Cancer. Identifiers: Orphanet 145, MedGen C2675520, MONDO:0012933, OMIM 612555. Disease mechanism: loss of function.
Familial cancer of breast. Also called: BREAST CANCER, FAMILIAL; hereditary breast carcinoma; Hereditary breast cancer. Identifiers: Orphanet 227535, MedGen C0346153, MONDO:0016419, OMIM 114480. Disease mechanism: loss of function.

Allele frequency attached by ClinVar (database versions not stated): TOPMed below 0.00001; gnomAD 0.00001.
gnomAD v4.1: 1 of 1,613,286 alleles (0.000062%); highest among the groups gnomAD compares: Non-Finnish European, 0.000085%; no homozygotes.

Submissions (7):

Labcorp Genetics (formerly Invitae), Labcorp
Classification: Pathogenic for Hereditary breast ovarian cancer syndrome. Last evaluated: 2025-03-07. Review status: criteria provided, single submitter. Criteria: Invitae Variant Classification Sherloc (09022015). Collection method: clinical testing. Allele origin: germline.
Comment: This sequence change affects a donor splice site in intron 26 of the BRCA2 gene. RNA analysis indicates that disruption of this splice site induces altered splicing and likely results in a shortened protein product. This variant is not present in population databases (gnomAD no frequency). This variant has not been reported in the literature in individuals affected with BRCA2-related conditions. ClinVar contains an entry for this variant (Variation ID: 182265). Studies have shown that disruption of this splice site alters BRCA2 gene expression (PMID: 32398771). Variants that disrupt the consensus splice site are a relatively common cause of aberrant splicing (PMID: 17576681, 9536098). Studies have shown that disruption of this splice site results in skipping of exon 26, but is expected to preserve the integrity of the reading-frame (PMID: 32398771). This variant disrupts a region of the BRCA2 protein in which other variant(s) (p.Tyr3308*) have been determined to be pathogenic (PMID: 18593900, 18607349). This suggests that this is a clinically significant region of the protein, and that variants that disrupt it are likely to be disease-causing. For these reasons, this variant has been classified as Pathogenic.

Ambry Genetics
Classification: Uncertain significance for Hereditary cancer-predisposing syndrome. Last evaluated: 2025-02-03. Review status: criteria provided, single submitter. Criteria: Ambry Variant Classification Scheme 2023. Collection method: clinical testing. Allele origin: germline.
Comment: The c.9648+1G>C intronic variant results from a G to C substitution one nucleotide after coding exon 25 of the BRCA2 gene. Alterations that disrupt the canonical splice site are expected to result in aberrant splicing. In silico splice site analysis predicts that this alteration will weaken the native splice donor site. The resulting transcript is predicted to be in-frame and is not expected to trigger nonsense-mediated mRNAdecay. RNA studies have demonstrated that this alteration results in a transcript predicted to lead to a protein with an in-frame deletion of 49 amino acids (Ambry internal data). A close match alteration (c.9648+1G>A) has been shown to result in the same splicing profile and has also been confirmed in trans with a pathogenic finding in this same gene in two brothers with no reported features of Fanconi anemia (Ambry internal data; Gay-Bellile M et al. Clin Genet, 2020 Apr;97:668-669). Based on the available evidence, the clinical significance of this variant remains unclear.

Women's Health and Genetics/Laboratory Corporation of America, LabCorp
Classification: Likely pathogenic for Hereditary breast ovarian cancer syndrome. Last evaluated: 2025-01-28. Review status: criteria provided, single submitter. Criteria: LabCorp Variant Classification Summary - May 2015. Collection method: clinical testing. Allele origin: germline.
Comment: Variant summary: BRCA2 c.9648+1G>C is located in the last canonical splice-site and is predicted to affect mRNA splicing resulting in a significantly altered protein due to either exon skipping, shortening, or inclusion of intronic material. Several pathogenic variants have been observed in the last exon in our laboratory. Variants that disrupt the consensus splice site are a relatively common cause of aberrant splicing and loss of BRCA2 function. Several computational tools predict a significant impact on normal splicing: Four predict the variant abolishes a 5' splicing donor site. However, these predictions have yet to be confirmed by functional studies. The variant was absent in 251328 control chromosomes. To our knowledge, no occurrence of c.9648+1G>C in individuals affected with Hereditary Breast And Ovarian Cancer Syndrome and no experimental evidence demonstrating its impact on protein function have been reported. ClinVar contains an entry for this variant (Variation ID: 182265). Based on the evidence outlined above, the variant was classified as likely pathogenic.

Baylor Genetics
Classification: Pathogenic for Familial cancer of breast. Last evaluated: 2023-02-28. Review status: criteria provided, single submitter. Criteria: ACMG Guidelines, 2015. Collection method: clinical testing. Allele origin: unknown.

GeneDx
Classification: Likely pathogenic. Last evaluated: 2022-09-28. Review status: criteria provided, single submitter. Criteria: GeneDx Variant Classification Process June 2021. Collection method: clinical testing. Allele origin: germline. Affected: yes.
Comment: Canonical splice site variant predicted to result in an in-frame deletion of a critical region, which is part of the DNA binding domain (Yang et al., 2002); Not observed at a significant frequency in large population cohorts (gnomAD); Observed in an individual referred for clinical testing for inherited cancer (Susswein et al., 2016); Also known as 9876+1G>C; This variant is associated with the following publications: (PMID: 12228710, 26681312)

Revvity Omics, Revvity
Classification: Pathogenic. Last evaluated: 2019-04-26. Review status: criteria provided, single submitter. Criteria: ACMG Guidelines, 2015. Collection method: clinical testing. Allele origin: germline.

Quest Diagnostics Nichols Institute San Juan Capistrano
Classification: Pathogenic for Breast-ovarian cancer, familial, susceptibility to, 2. Last evaluated: 2015-08-25. Review status: criteria provided, single submitter. Criteria: Quest Diagnostics criteria. Collection method: clinical testing. Allele origin: germline. Inheritance: Autosomal dominant inheritance.

Literature cited by the submitters: PubMed 32398771 (cited by Labcorp Genetics (formerly Invitae), Labcorp); PubMed 17576681 (cited by Labcorp Genetics (formerly Invitae), Labcorp); PubMed 9536098 (cited by Labcorp Genetics (formerly Invitae), Labcorp); PubMed 18593900 (cited by Labcorp Genetics (formerly Invitae), Labcorp); PubMed 18607349 (cited by Labcorp Genetics (formerly Invitae), Labcorp); PubMed 26681312 (cited by Ambry Genetics); PubMed 26295337 (cited by Quest Diagnostics Nichols Institute San Juan Capistrano).